The following is an entry in ClinVar:

NM_004082.5(DCTN1):c.2396A>G (p.Lys799Arg)

Gene: DCTN1 (dynactin subunit 1; minus strand). Cytogenetic location: 2p13.1.
Variant type: single nucleotide variant.
Coding change: c.2396A>G on transcript NM_004082.5 (MANE Select); coding-DNA position 2396, A replaced by G.
Protein change: p.Lys799Arg; replaces lysine 799 with arginine.
Molecular consequence: missense variant. On other transcripts: non-coding transcript variant (1).
Genome position (GRCh38, 1-based): chr2:74,366,853, T>C on the plus strand (A>G on the coding strand, the complement: DCTN1 is on the minus strand). VCF-style: chr2-74366853-T-C. GRCh37 (hg19) VCF-style: chr2-74593980-T-C.
Other names: c.2336A>G, p.Lys779Arg (NM_001135040.3); c.1994A>G, p.Lys665Arg (NM_001135041.3, NM_023019.4); c.2285A>G, p.Lys762Arg (NM_001190836.2); c.2375A>G, p.Lys792Arg (NM_001190837.2); c.2345A>G, p.Lys782Arg (NM_001378991.1); c.2327A>G, p.Lys776Arg (NM_001378992.1); short protein forms K792R, K665R, K762R, K799R, K779R, K776R, K782R.
Identifiers: ClinVar variation 1508985 (VCV001508985.8), dbSNP rs773793200, ClinGen allele CA1721855.

ClinVar aggregate classification (germline): Uncertain significance (1 of 4 stars; one submission).

Conditions:
Amyotrophic lateral sclerosis type 1 (ALS1). Also called: AMYOTROPHIC LATERAL SCLEROSIS 1, FAMILIAL. Identifiers: Orphanet 803, MedGen C1862939, MONDO:0007103, OMIM 105400.
Perry syndrome. Also called: PARKINSONISM WITH ALVEOLAR HYPOVENTILATION AND MENTAL DEPRESSION. Identifiers: Orphanet 178509, MedGen C1868594, MONDO:0008201, OMIM 168605.
Neuronopathy, distal hereditary motor, type 7B. Also called: Distal Hereditary Motor Neuronopathy Type 7B (dHMN7B); HMN VIIB; LOWER MOTOR NEURON DISEASE, DYNACTIN TYPE; NEURONOPATHY, DISTAL HEREDITARY MOTOR, AUTOSOMAL DOMINANT 14; NEURONOPATHY, DISTAL HEREDITARY MOTOR, HARDING TYPE VIIB; NEUROPATHY, DISTAL HEREDITARY MOTOR, HARDING TYPE VIIB. Identifiers: Orphanet 139589, MedGen C1843315, MONDO:0011879, OMIM 607641.

Allele frequency attached by ClinVar (database versions not stated): ExAC 0.00001; gnomAD exomes 0.00001.
gnomAD v4.1: 15 of 1,614,256 alleles (0.00093%); highest among the groups gnomAD compares: Non-Finnish European, 0.0013%; no homozygotes.

Submission:

Labcorp Genetics (formerly Invitae), Labcorp
Classification: Uncertain significance for Amyotrophic lateral sclerosis type 1; Neuronopathy, distal hereditary motor, type 7B; Perry syndrome. Last evaluated: 2024-10-24. Review status: criteria provided, single submitter. Criteria: Invitae Variant Classification Sherloc (09022015). Collection method: clinical testing. Allele origin: germline.
Comment: This sequence change replaces lysine, which is basic and polar, with arginine, which is basic and polar, at codon 799 of the DCTN1 protein (p.Lys799Arg). This variant is present in population databases (rs773793200, gnomAD 0.002%). This variant has not been reported in the literature in individuals affected with DCTN1-related conditions. ClinVar contains an entry for this variant (Variation ID: 1508985). Invitae Evidence Modeling of protein sequence and biophysical properties (such as structural, functional, and spatial information, amino acid conservation, physicochemical variation, residue mobility, and thermodynamic stability) indicates that this missense variant is not expected to disrupt DCTN1 protein function with a negative predictive value of 95%. In summary, the available evidence is currently insufficient to determine the role of this variant in disease. Therefore, it has been classified as a Variant of Uncertain Significance.